The following is an entry in ClinVar:

ClinVar aggregate classification (germline): Conflicting classifications of pathogenicity. Review status: criteria provided, conflicting classifications (1 of 4 stars). 2 submissions from 2 submitters: Uncertain significance (1); Likely benign (1). Last evaluated 2024-11-12.

Conditions:
Inborn genetic diseases. Identifiers: MedGen C0950123, MeSH D030342.
Developmental and epileptic encephalopathy. Identifiers: MedGen C5779964, MONDO:0100620.

gnomAD v4.1: 3 of 1,614,170 alleles (0.00019%); highest among the groups gnomAD compares: Non-Finnish European, 0.00025%; no homozygotes.

Submissions (2):

Labcorp Genetics (formerly Invitae), Labcorp
Classification: Uncertain significance for Early-infantile DEE. Last evaluated: 2024-11-12. Review status: criteria provided, single submitter. Criteria: Invitae Variant Classification Sherloc (09022015). Collection method: clinical testing. Allele origin: germline.
Comment: This sequence change replaces glutamic acid, which is acidic and polar, with aspartic acid, which is acidic and polar, at codon 804 of the SPTAN1 protein (p.Glu804Asp). This variant is present in population databases (rs767815914, gnomAD 0.0009%). This variant has not been reported in the literature in individuals affected with SPTAN1-related conditions. ClinVar contains an entry for this variant (Variation ID: 1434764). Invitae Evidence Modeling of protein sequence and biophysical properties (such as structural, functional, and spatial information, amino acid conservation, physicochemical variation, residue mobility, and thermodynamic stability) has been performed for this missense variant. However, the output from this modeling did not meet the statistical confidence thresholds required to predict the impact of this variant on SPTAN1 protein function. In summary, the available evidence is currently insufficient to determine the role of this variant in disease. Therefore, it has been classified as a Variant of Uncertain Significance.

Ambry Genetics
Classification: Likely benign for Inborn genetic diseases. Last evaluated: 2020-03-18. Review status: criteria provided, single submitter. Criteria: Ambry Variant Classification Scheme 2023. Collection method: clinical testing. Allele origin: germline.

NM_001130438.3(SPTAN1):c.2412G>C (p.Glu804Asp)

Gene: SPTAN1 (spectrin alpha, non-erythrocytic 1; plus strand). Cytogenetic location: 9q34.11.
Variant type: single nucleotide variant.
Coding change: c.2412G>C on transcript NM_001130438.3 (MANE Select); coding-DNA position 2412, G replaced by C.
Protein change: p.Glu804Asp; replaces glutamic acid 804 with aspartic acid.
Molecular consequence: missense variant.
Genome position (GRCh38, 1-based): chr9:128,584,500, G>C. VCF-style: chr9-128584500-G-C. GRCh37 (hg19) VCF-style: chr9-131346779-G-C.
Other names: c.2412G>C, p.Glu804Asp (NM_001195532.2, NM_001363759.2, NM_001363765.2 and 5 more transcripts); c.2448G>C, p.Glu816Asp (NM_001375312.2, NM_001375318.1); short protein forms E804D, E816D.
Identifiers: ClinVar variation 1434764 (VCV001434764.8), dbSNP rs767815914, ClinGen allele CA5264628.